The following is an entry in ClinVar:

NM_144599.5(NIPA1):c.228G>A (p.Met76Ile)

Gene: NIPA1 (NIPA magnesium transporter 1; plus strand). Cytogenetic location: 15q11.2.
Variant type: single nucleotide variant.
Coding change: c.228G>A on transcript NM_144599.5 (MANE Select); coding-DNA position 228, G replaced by A.
Protein change: p.Met76Ile; replaces methionine 76 with isoleucine.
Molecular consequence: missense variant.
Genome position (GRCh38, 1-based): chr15:22,812,164, G>A. VCF-style: chr15-22812164-G-A. GRCh37 (hg19) VCF-style: chr15-23060904-C-T.
Other names: c.3G>A, p.Met1Ile (NM_001142275.1); short protein forms M76I, M1I.
Identifiers: ClinVar variation 2150460 (VCV002150460.4), dbSNP rs1895330420, ClinGen allele CA391302972.
Genomic context (GRCh38, chr15:22,812,164, plus strand): 5'-ATCAGTGCTGGAAGAGAGCTCTGTAATTGCAAGTAGTATCCTTGTGATTTTCTTGACAGT[G>A]GCTGTTGGCCAGATTGGAAACTTCCTGGCTTACACGGCGGTCCCCACGGTCCTGGTAACC-3'
Protein context (NP_653200.2, residues 66-86): DIVWWAGTIA[Met76Ile]AVGQIGNFLA

ClinVar aggregate classification (germline): Uncertain significance (1 of 4 stars; one submission).

Conditions:
Hereditary spastic paraplegia 6 (SPG6). Also called: SPASTIC PARAPLEGIA 6, AUTOSOMAL DOMINANT. Identifiers: Orphanet 100988, MedGen C1838192, MONDO:0010878, OMIM 600363.

Allele frequency attached by ClinVar (database versions not stated): gnomAD exomes below 0.00001.
gnomAD v4.1: 2 of 1,610,886 alleles (0.00012%); highest among the groups gnomAD compares: Non-Finnish European, 0.00017%; no homozygotes.

Submission:

Labcorp Genetics (formerly Invitae), Labcorp
Classification: Uncertain significance for Hereditary spastic paraplegia 6. Last evaluated: 2025-01-31. Review status: criteria provided, single submitter. Criteria: Invitae Variant Classification Sherloc (09022015). Collection method: clinical testing. Allele origin: germline.
Comment: This sequence change replaces methionine, which is neutral and non-polar, with isoleucine, which is neutral and non-polar, at codon 76 of the NIPA1 protein (p.Met76Ile). This variant is not present in population databases (gnomAD no frequency). This variant has not been reported in the literature in individuals affected with NIPA1-related conditions. ClinVar contains an entry for this variant (Variation ID: 2150460). An algorithm developed to predict the effect of missense changes on protein structure and function (PolyPhen-2) suggests that this variant is likely to be tolerated. Algorithms developed to predict the effect of sequence changes on RNA splicing suggest that this variant may disrupt the consensus splice site. In summary, the available evidence is currently insufficient to determine the role of this variant in disease. Therefore, it has been classified as a Variant of Uncertain Significance.